The following is an entry in ClinVar:

ClinVar aggregate classification (germline): Likely pathogenic (1 of 4 stars; one submission).

Conditions:
Cataract 1 multiple types. Also called: CATARACT, DUFFY-LINKED; CATARACT 1, POSTERIOR SUBCAPSULAR, WITH MICROCORNEA; CATARACT 1, STELLATE NUCLEAR, WITH MICROCORNEA; CATARACT 1, MULTIPLE TYPES, WITH OR WITHOUT MICROCORNEA; CATARACT 1, NUCLEAR PROGRESSIVE; CATARACT 1 WITH MICROCORNEA. Identifiers: Orphanet 1377, MedGen C1861828, MONDO:0007285, OMIM 116200.

Submission:

Dept. Genetics and Cancer, Menzies Institute for Medical Research, University of Tasmania
Classification: Likely pathogenic for Cataract 1 multiple types. Last evaluated: 2023-01-21. Review status: criteria provided, single submitter. Criteria: ACMG Guidelines, 2015. Collection method: curation. Allele origin: germline. Affected: yes.
Comment: Variant identified and curated during a GJA8 specific review of the literature in relation to pediatric or congenital cataract. ACMG-AMP criteria applied: PP1(Moderate), PS4(Supporting), PM1(Supporting), PM2(Supporting), PP3. Original variant report: PMID:27216975;29461512. The cataract phenotype reported for this variant is: Nuclear. Additional phenotype/s reported in these individual/s are: Nystagmus and amblyopia. Gene review and curation guidelines are outlined in: DOI 10.1080/17469899.2023.2160320

Literature cited by the submitters: PubMed 27216975; PubMed 29461512.

NM_005267.5(GJA8):c.175C>G (p.Pro59Ala)

Gene: GJA8 (gap junction protein alpha 8; plus strand). Cytogenetic location: 1q21.2.
Variant type: single nucleotide variant.
Coding change: c.175C>G on transcript NM_005267.5 (MANE Select); coding-DNA position 175, C replaced by G.
Protein change: p.Pro59Ala; replaces proline 59 with alanine.
Molecular consequence: missense variant.
Genome position (GRCh38, 1-based): chr1:147,908,130, C>G. VCF-style: chr1-147908130-C-G. GRCh37 (hg19) VCF-style: chr1-147380257-C-G.
Other names: short protein forms P59A.
Identifiers: ClinVar variation 3253717 (VCV003253717.1), dbSNP rs2524889317.
Genomic context (GRCh38, chr1:147,908,130, plus strand): 5'-ACGGCCGCAGAGTTCGTGTGGGGGGATGAGCAATCCGACTTCGTGTGCAACACCCAGCAG[C>G]CTGGCTGCGAGAACGTCTGCTACGACGAGGCCTTTCCCATCTCCCACATTCGCCTCTGGG-3'
Protein context (NP_005258.2, residues 49-69): QSDFVCNTQQ[Pro59Ala]GCENVCYDEA